The following is an entry in ClinVar:

ClinVar aggregate classification (germline): Uncertain significance (1 of 4 stars; one submission).

Conditions:
Atrial fibrillation, familial, 18 (ATFB18). Identifiers: MedGen C4310636, MONDO:0015001, OMIM 617280.

gnomAD v4.1: 5 of 1,614,158 alleles (0.00031%); highest among the groups gnomAD compares: African/African-American, 0.0053%; no homozygotes.

Submission:

Labcorp Genetics (formerly Invitae), Labcorp
Classification: Uncertain significance for Atrial fibrillation, familial, 18. Last evaluated: 2025-05-18. Review status: criteria provided, single submitter. Criteria: Invitae Variant Classification Sherloc (09022015). Collection method: clinical testing. Allele origin: germline.
Comment: This sequence change replaces proline, which is neutral and non-polar, with leucine, which is neutral and non-polar, at codon 29 of the MYL4 protein (p.Pro29Leu). This variant is present in population databases (rs143784817, gnomAD 0.01%). This variant has not been reported in the literature in individuals affected with MYL4-related conditions. Experimental studies and prediction algorithms are not available or were not evaluated, and the functional significance of this variant is currently unknown. In summary, the available evidence is currently insufficient to determine the role of this variant in disease. Therefore, it has been classified as a Variant of Uncertain Significance.

NM_002476.2(MYL4):c.86C>T (p.Pro29Leu)

Gene: MYL4 (myosin light chain 4; plus strand). Cytogenetic location: 17q21.32.
Variant type: single nucleotide variant.
Coding change: c.86C>T on transcript NM_002476.2 (MANE Select); coding-DNA position 86, C replaced by T.
Protein change: p.Pro29Leu; replaces proline 29 with leucine.
Molecular consequence: missense variant.
Genome position (GRCh38, 1-based): chr17:47,209,508, C>T. VCF-style: chr17-47209508-C-T. GRCh37 (hg19) VCF-style: chr17-45286874-C-T.
Other names: c.86C>T, p.Pro29Leu (NM_001002841.2); short protein forms P29L.
Identifiers: ClinVar variation 4693423 (VCV004693423.1).